The following is an entry in ClinVar:

NM_016169.4(SUFU):c.875G>T (p.Cys292Phe)

Gene: SUFU (SUFU negative regulator of hedgehog signaling; plus strand). Cytogenetic location: 10q24.32.
Variant type: single nucleotide variant.
Coding change: c.875G>T on transcript NM_016169.4 (MANE Select); coding-DNA position 875, G replaced by T.
Protein change: p.Cys292Phe; replaces cysteine 292 with phenylalanine.
Molecular consequence: missense variant.
Genome position (GRCh38, 1-based): chr10:102,597,258, G>T. VCF-style: chr10-102597258-G-T. GRCh37 (hg19) VCF-style: chr10-104357015-G-T.
Other names: c.875G>T, p.Cys292Phe (NM_001178133.2); short protein forms C292F.
Identifiers: ClinVar variation 524651 (VCV000524651.13), dbSNP rs193921097, ClinGen allele CA5667793.
Genomic context (GRCh38, chr10:102,597,258, plus strand): 5'-AGTGTGCCTGGGATGACCTGAGCCGGCCCCCCGAGGATGACGAGGACAGCCGGAGCATCT[G>T]CATCGGCACACAGCCCCGGCGACTCTCTGGCAAAGGTGGGAGCCATCACTCAGCATTCCA-3'
Protein context (NP_057253.2, residues 282-302): PEDDEDSRSI[Cys292Phe]IGTQPRRLSG

ClinVar aggregate classification (germline): Conflicting classifications of pathogenicity. Review status: criteria provided, conflicting classifications (1 of 4 stars). 2 submissions from 2 submitters: Uncertain significance (1); Likely benign (1). Last evaluated 2025-02-11.

Conditions:
Hereditary cancer-predisposing syndrome. Also called: Neoplastic Syndromes, Hereditary; Tumor predisposition; Hereditary neoplastic syndrome; Hereditary Cancer Syndrome. Identifiers: Orphanet 140162, MedGen C0027672, MeSH D009386, MONDO:0015356.
Gorlin syndrome. Also called: Basal cell nevus syndrome; Nevoid Basal Cell Carcinoma Syndrome. Identifiers: Orphanet 377, MedGen C0004779, MONDO:0007187.
Medulloblastoma (MDB). Also called: Medulloblastoma, somatic; MEDULLOBLASTOMA PREDISPOSITION SYNDROME. Identifiers: Orphanet 616, MedGen C0025149, MeSH D008527, MONDO:0007959, OMIM 155255, HP:0002885.

Allele frequency attached by ClinVar (database versions not stated): gnomAD below 0.00001 and 0.00001; gnomAD exomes 0.00001; ExAC 0.00002.
gnomAD v4.1: 6 of 1,613,848 alleles (0.00037%); highest among the groups gnomAD compares: South Asian, 0.0066%; no homozygotes.

Submissions (2):

Labcorp Genetics (formerly Invitae), Labcorp
Classification: Uncertain significance for Gorlin syndrome; Medulloblastoma. Last evaluated: 2025-02-11. Review status: criteria provided, single submitter. Criteria: Invitae Variant Classification Sherloc (09022015). Collection method: clinical testing. Allele origin: germline.
Comment: This sequence change replaces cysteine, which is neutral and slightly polar, with phenylalanine, which is neutral and non-polar, at codon 292 of the SUFU protein (p.Cys292Phe). This variant is present in population databases (rs193921097, gnomAD 0.01%). This variant has not been reported in the literature in individuals affected with SUFU-related conditions. ClinVar contains an entry for this variant (Variation ID: 524651). Invitae Evidence Modeling of protein sequence and biophysical properties (such as structural, functional, and spatial information, amino acid conservation, physicochemical variation, residue mobility, and thermodynamic stability) indicates that this missense variant is not expected to disrupt SUFU protein function with a negative predictive value of 80%. In summary, the available evidence is currently insufficient to determine the role of this variant in disease. Therefore, it has been classified as a Variant of Uncertain Significance.

Ambry Genetics
Classification: Likely benign for Hereditary cancer-predisposing syndrome. Last evaluated: 2022-10-28. Review status: criteria provided, single submitter. Criteria: Ambry Variant Classification Scheme 2023. Collection method: clinical testing. Allele origin: germline.